The following is an entry in ClinVar:

ClinVar aggregate classification (germline): Uncertain significance (1 of 4 stars; one submission).

Submission:

Laboratory for Molecular Medicine, Mass General Brigham Personalized Medicine
Classification: Uncertain significance. Last evaluated: 2015-06-18. Review status: criteria provided, single submitter. Criteria: LMM Criteria. Collection method: clinical testing. Allele origin: germline. Observed: 1 variant allele.
Comment: The p.Gly1186Ser variant in COL11A2 has not been previously reported in individu als with hearing loss or in large population studies. Computational prediction t ools and conservation analysis do not provide strong support for or against an i mpact to the protein. In summary, the clinical significance of the p.Gly1186Ser variant is uncertain.

NM_080680.3(COL11A2):c.3556G>A (p.Gly1186Ser)

Gene: COL11A2 (collagen type XI alpha 2 chain; minus strand). Cytogenetic location: 6p21.32.
Variant type: single nucleotide variant.
Coding change: c.3556G>A on transcript NM_080680.3 (MANE Select); coding-DNA position 3556, G replaced by A.
Protein change: p.Gly1186Ser; replaces glycine 1186 with serine.
Molecular consequence: missense variant.
Genome position (GRCh38, 1-based): chr6:33,170,352, C>T on the plus strand (G>A on the coding strand, the complement: COL11A2 is on the minus strand). VCF-style: chr6-33170352-C-T. GRCh37 (hg19) VCF-style: chr6-33138129-C-T.
Other names: c.3235G>A, p.Gly1079Ser (NM_080679.3); c.3298G>A, p.Gly1100Ser (NM_080681.3); short protein forms G1186S, G1079S, G1100S.
Identifiers: ClinVar variation 228531 (VCV000228531.4), dbSNP rs876657765, ClinGen allele CA10576685.